The following is an entry in ClinVar:

NM_019842.4(KCNQ5):c.2461A>G (p.Met821Val)

Gene: KCNQ5 (potassium voltage-gated channel subfamily Q member 5; plus strand). Cytogenetic location: 6q13.
Variant type: single nucleotide variant.
Coding change: c.2461A>G on transcript NM_019842.4 (MANE Select); coding-DNA position 2461, A replaced by G.
Protein change: p.Met821Val; replaces methionine 821 with valine.
Molecular consequence: missense variant.
Genome position (GRCh38, 1-based): chr6:73,195,076, A>G. VCF-style: chr6-73195076-A-G. GRCh37 (hg19) VCF-style: chr6-73904799-A-G.
Other names: c.2434A>G, p.Met812Val (NM_001160130.2); c.2491A>G, p.Met831Val (NM_001160132.2); c.2518A>G, p.Met840Val (NM_001160133.2); c.2131A>G, p.Met711Val (NM_001160134.2); short protein forms M711V, M812V, M821V, M831V, M840V.
Identifiers: ClinVar variation 1947765 (VCV001947765.5), dbSNP rs754870865, ClinGen allele CA364696358.

ClinVar aggregate classification (germline): Uncertain significance (1 of 4 stars; one submission).

Allele frequency attached by ClinVar (database versions not stated): TOPMed below 0.00001.
gnomAD v4.1: 15 of 1,614,220 alleles (0.00093%); highest among the groups gnomAD compares: Non-Finnish European, 0.001%; 1 homozygote.

Submission:

Labcorp Genetics (formerly Invitae), Labcorp
Classification: Uncertain significance. Last evaluated: 2022-08-24. Review status: criteria provided, single submitter. Criteria: Invitae Variant Classification Sherloc (09022015). Collection method: clinical testing. Allele origin: germline.
Comment: This variant is not present in population databases (gnomAD no frequency). In summary, the available evidence is currently insufficient to determine the role of this variant in disease. Therefore, it has been classified as a Variant of Uncertain Significance. Advanced modeling of protein sequence and biophysical properties (such as structural, functional, and spatial information, amino acid conservation, physicochemical variation, residue mobility, and thermodynamic stability) performed at Invitae indicates that this missense variant is not expected to disrupt KCNQ5 protein function. This variant has not been reported in the literature in individuals affected with KCNQ5-related conditions. This sequence change replaces methionine, which is neutral and non-polar, with valine, which is neutral and non-polar, at codon 840 of the KCNQ5 protein (p.Met840Val).